The following is an entry in ClinVar:

NM_182961.4(SYNE1):c.9097_9101dup (p.Ser3034_Thr3035insTer)

Gene: SYNE1 (spectrin repeat containing nuclear envelope protein 1; minus strand). Cytogenetic location: 6q25.2.
Variant type: Duplication.
Coding change: c.9097_9101dup on transcript NM_182961.4 (MANE Select); coding-DNA positions 9097 to 9101, 5 bases duplicated (CTGAG; older notation c.9097_9101dupCTGAG).
Protein change: p.Ser3034_Thr3035insTer.
Molecular consequence: nonsense, inframe insertion.
Genome position (GRCh38, 1-based): chr6:152,376,821-152,376,825, CTCAG duplicated on the plus strand (CTGAG on the coding strand, the reverse complement: SYNE1 is on the minus strand). VCF-style (leftmost placement, unchanged base first): chr6-152376820-A-ACTCAG. GRCh37 (hg19) VCF-style: chr6-152697955-A-ACTCAG.
Other names: c.9118_9122dup, p.Ser3041_Thr3042insTer (NM_033071.5).
Identifiers: ClinVar variation 5006985 (VCV005006985.2).
Genomic context (GRCh38, chr6:152,376,820, plus strand): 5'-TAAGGTTCATGCTCACCAATTATACTCTTTAATCAAGCCAGAAACTTTTCCACTGTAGGT[A>ACTCAG]CTCAGGTCTCTGGAAAATCGACAAAGTTCATTCAGCTGAGACTTGAGATCCTCTGTTCTA-3'

ClinVar aggregate classification (germline): Likely pathogenic (1 of 4 stars; one submission).

Conditions:
Autosomal recessive ataxia, Beauce type. Also called: Spinocerebellar ataxia, autosomal recessive 8; SYNE1 Deficiency; ATAXIA, RECESSIVE, OF BEAUCE; SYNE1-Related Autosomal Recessive Cerebellar Ataxia. Identifiers: Orphanet 88644, MedGen C1853116, MONDO:0012549, OMIM 610743.
Arthrogryposis multiplex congenita 3, myogenic type. Also called: ARTHROGRYPOSIS MULTIPLEX CONGENITA, MYOGENIC TYPE. Identifiers: MedGen C5193121, MONDO:0032778, OMIM 618484.
Emery-Dreifuss muscular dystrophy 4, autosomal dominant (EDMD4). Also called: EMERY-DREIFUSS MUSCULAR DYSTROPHY 4 WITH VARIABLE FEATURES. Identifiers: Orphanet 261, MedGen C2751807, MONDO:0013071, OMIM 612998.

Submission:

Juno Genomics, Hangzhou Juno Genomics, Inc
Classification: Likely pathogenic for Arthrogryposis multiplex congenita 3, myogenic type; Emery-Dreifuss muscular dystrophy 4, autosomal dominant; Autosomal recessive ataxia, Beauce type. Review status: criteria provided, single submitter. Criteria: ACMG Guidelines, 2015. Collection method: clinical testing. Allele origin: germline.
Comment: Null variant in a gene where loss of function (LOF) is a known mechanism of disease.;Absent from controls (or at extremely low frequency if recessive) in Genome Aggregation Database.